The following is an entry in ClinVar:

NM_000435.3(NOTCH3):c.1619C>G (p.Thr540Arg)

Gene: NOTCH3 (notch receptor 3; minus strand). Cytogenetic location: 19p13.12.
Variant type: single nucleotide variant.
Coding change: c.1619C>G on transcript NM_000435.3 (MANE Select); coding-DNA position 1619, C replaced by G.
Protein change: p.Thr540Arg; replaces threonine 540 with arginine.
Molecular consequence: missense variant.
Genome position (GRCh38, 1-based): chr19:15,187,326, G>C on the plus strand (C>G on the coding strand, the complement: NOTCH3 is on the minus strand). VCF-style: chr19-15187326-G-C. GRCh37 (hg19) VCF-style: chr19-15298137-G-C.
Other names: short protein forms T540R.
Identifiers: ClinVar variation 2870692 (VCV002870692.3), dbSNP rs200317373, ClinGen allele CA9263599.
Genomic context (GRCh38, chr19:15,187,326, plus strand): 5'-ACGCAGCGACCATGGTGGCATGGGTCAGGGGAGCAGTCGTCCACGTTGCGATCACACAGC[G>C]TGCCCTCAAAGCCTGTGGGGCCAAGAGGGTCAGGCTCCGCCCACTTGCCAGGGGCCTGCC-3'
Protein context (NP_000426.2, residues 530-550): ECRCAEGFEG[Thr540Arg]LCDRNVDDCS

ClinVar aggregate classification (germline): Uncertain significance (1 of 4 stars; one submission).

gnomAD v4.1: 2 of 1,613,452 alleles (0.00012%); highest among the groups gnomAD compares: South Asian, 0.0011%; no homozygotes.

Submission:

Labcorp Genetics (formerly Invitae), Labcorp
Classification: Uncertain significance. Last evaluated: 2024-12-16. Review status: criteria provided, single submitter. Criteria: Invitae Variant Classification Sherloc (09022015). Collection method: clinical testing. Allele origin: germline.
Comment: This sequence change replaces threonine, which is neutral and polar, with arginine, which is basic and polar, at codon 540 of the NOTCH3 protein (p.Thr540Arg). This variant is present in population databases (rs200317373, gnomAD 0.003%). This variant has not been reported in the literature in individuals affected with NOTCH3-related conditions. ClinVar contains an entry for this variant (Variation ID: 2870692). Invitae Evidence Modeling of protein sequence and biophysical properties (such as structural, functional, and spatial information, amino acid conservation, physicochemical variation, residue mobility, and thermodynamic stability) indicates that this missense variant is not expected to disrupt NOTCH3 protein function with a negative predictive value of 95%. In summary, the available evidence is currently insufficient to determine the role of this variant in disease. Therefore, it has been classified as a Variant of Uncertain Significance.